The following is an entry in ClinVar:

NM_003002.4(SDHD):c.273_274dup (p.Asp92fs)

Gene: SDHD (succinate dehydrogenase complex subunit D; plus strand). Cytogenetic location: 11q23.1.
Variant type: Duplication.
Coding change: c.273_274dup on transcript NM_003002.4 (MANE Select); coding-DNA positions 273 to 274, 2 bases duplicated (GG; older notation c.273_274dupGG).
Protein change: p.Asp92fs; shifts the reading frame from aspartic acid 92.
Molecular consequence: frameshift variant. On other transcripts: non-coding transcript variant (1), intron variant (1).
Genome position (GRCh38, 1-based): chr11:112,088,970-112,088,971, GG duplicated. VCF-style (leftmost placement, unchanged base first): chr11-112088969-T-TGG. GRCh37 (hg19) VCF-style: chr11-111959693-T-TGG.
Other names: c.273_274dupGG (NM_003002.2); c.273_274dup, p.Asp92fs (NM_001276506.2); c.169+997_169+998dup (NM_001276503.2); c.156_157dup, p.Asp53fs (NM_001276504.2); short protein forms D53fs, D92fs.
Identifiers: ClinVar variation 2949572 (VCV002949572.4), dbSNP rs2498905197, ClinGen allele CA2740090837.

ClinVar aggregate classification (germline): Pathogenic. Review status: criteria provided, multiple submitters, no conflicts (2 of 4 stars). 2 submissions from 2 submitters: Pathogenic (2). Last evaluated 2026-08-20.

Conditions:
Hereditary cancer-predisposing syndrome. Also called: Hereditary Cancer Syndrome; Hereditary neoplastic syndrome; Neoplastic Syndromes, Hereditary; Tumor predisposition. Identifiers: Orphanet 140162, MedGen C0027672, MeSH D009386, MONDO:0015356.
Carney-Stratakis syndrome. Also called: PARAGANGLIOMA AND GASTROINTESTINAL STROMAL TUMOR. Identifiers: Orphanet 97286, MedGen C1847319, MONDO:0011740, OMIM 606864.
Pheochromocytoma. Also called: MAX-Related Hereditary Paraganglioma-Pheochromocytoma Syndrome. Identifiers: Orphanet 29072, MedGen C0031511, MONDO:0008233, OMIM 171300, HP:0002666.
Paragangliomas with sensorineural hearing loss. Identifiers: MedGen C1868633.
Cowden syndrome 3 (CWS3). Identifiers: Orphanet 201, MedGen CN166604, MONDO:0014045.

Submissions (2):

Ambry Genetics
Classification: Pathogenic for Hereditary cancer-predisposing syndrome. Last evaluated: 2026-08-20. Review status: criteria provided, single submitter. Criteria: Ambry Variant Classification Scheme 2023. Collection method: clinical testing. Allele origin: germline.
Comment: The c.273_274dupGG pathogenic mutation, located in coding exon 3 of the SDHD gene, results from a duplication of GG at nucleotide position 273, causing a translational frameshift with a predicted alternate stop codon (p.D92Gfs*44). This variant occurs at the 3' terminus of the gene, is not expected to trigger nonsense-mediated mRNA decay, and impacts the last 14% of the protein. However, premature stop codons are typically deleterious in nature, the impacted region is critical for protein function, and a significant portion of the protein is affected (Ambry internal data). This variant was reported in individual(s) with features consistent with SDHD-related hereditary pheochromocytoma-paraganglioma (Ambry internal data). This variant is considered to be rare based on population cohorts in the Genome Aggregation Database (gnomAD). Based on the supporting evidence, this variant is interpreted as a disease-causing mutation.

Labcorp Genetics (formerly Invitae), Labcorp
Classification: Pathogenic for Carney-Stratakis syndrome; Paragangliomas with sensorineural hearing loss; Pheochromocytoma; Cowden syndrome 3. Last evaluated: 2024-08-19. Review status: criteria provided, single submitter. Criteria: Invitae Variant Classification Sherloc (09022015). Collection method: clinical testing. Allele origin: germline.
Comment: This sequence change creates a premature translational stop signal (p.Asp92Glyfs*44) in the SDHD gene. While this is not anticipated to result in nonsense mediated decay, it is expected to disrupt the last 68 amino acid(s) of the SDHD protein. This variant is not present in population databases (gnomAD no frequency). This variant has not been reported in the literature in individuals affected with SDHD-related conditions. This variant disrupts a region of the SDHD protein in which other variant(s) (p.Gly138Arg) have been determined to be pathogenic (PMID: 29875428, 31492822; Invitae). This suggests that this is a clinically significant region of the protein, and that variants that disrupt it are likely to be disease-causing. For these reasons, this variant has been classified as Pathogenic.

Literature cited by the submitters: PubMed 29875428 (cited by Labcorp Genetics (formerly Invitae), Labcorp); PubMed 31492822 (cited by Labcorp Genetics (formerly Invitae), Labcorp).